The following is an entry in ClinVar:

NM_023037.3(FRY):c.8046G>A (p.Glu2682=)

Gene: FRY (FRY microtubule binding protein; plus strand). Cytogenetic location: 13q13.1.
Variant type: single nucleotide variant.
Coding change: c.8046G>A on transcript NM_023037.3 (MANE Select); coding-DNA position 8046, G replaced by A.
Protein change: p.Glu2682=; no amino-acid change (glutamic acid 2682 retained).
Molecular consequence: synonymous variant.
Genome position (GRCh38, 1-based): chr13:32,267,269, G>A. VCF-style: chr13-32267269-G-A. GRCh37 (hg19) VCF-style: chr13-32841406-G-A.
Other names: c.8055G>A, p.Glu2685= (NM_001411012.1).
Identifiers: ClinVar variation 3026178 (VCV003026178.22), dbSNP rs201358283, ClinGen allele CA6939896.

ClinVar aggregate classification (germline): Likely benign (1 of 4 stars; one submission).

Allele frequency attached by ClinVar (database versions not stated): ExAC 0.00019; 1000 Genomes Project 0.00040; 1000 Genomes Project 30x 0.00047; gnomAD 0.00069; TOPMed 0.00079; ESP Exome Variant Server 0.00095.
gnomAD v4.1: 221 of 1,614,166 alleles (0.014%); highest among the groups gnomAD compares: African/African-American, 0.27%; 1 homozygote.

Submission:

CeGaT Center for Human Genetics Tuebingen
Classification: Likely benign. Last evaluated: 2023-12-01. Review status: criteria provided, single submitter. Criteria: CeGaT Center For Human Genetics Tuebingen Variant Classification Criteria Version 2. Collection method: clinical testing. Allele origin: germline. Affected: yes. Observed: 1 variant allele.
Comment: FRY: BP4, BP7